The following is an entry in ClinVar:

ClinVar aggregate classification (germline): Benign. Review status: criteria provided, multiple submitters, no conflicts (2 of 4 stars). 2 submissions from 2 submitters: Benign (2).

Conditions:
Premature ovarian insufficiency (POF). Also called: Premature ovarian failure. Identifiers: MedGen C4303540, HP:0008209.

Allele frequency attached by ClinVar (database versions not stated): gnomAD 0.03366 and 0.03604; TOPMed 0.03787; 1000 Genomes Project 30x 0.04606; gnomAD exomes 0.00863 and 0.00317; ESP Exome Variant Server 0.03875; 1000 Genomes Project 0.04233; ExAC 0.01048.
gnomAD v4.1: 9,900 of 1,613,802 alleles (0.61%); highest among the groups gnomAD compares: African/African-American, 12%; 549 homozygotes.

Submissions (7):

Breakthrough Genomics
Classification: Benign. Review status: criteria provided, single submitter. Criteria: ACMG Guidelines, 2015. Collection method: not provided. Allele origin: germline. Inheritance: Unknown mechanism. Affected: yes.

Broad Center for Mendelian Genomics, Broad Institute of MIT and Harvard
Classification: Benign for Premature ovarian failure. Review status: criteria provided, single submitter. Criteria: ACMG Guidelines, 2015. Collection method: research. Allele origin: germline. Affected: yes.
Comment: Furthermore, although this gene has been reported in association with premature ovarian failure, it currently has limited evidence for these associations. In summary, this variant meets criteria to be classified as benign for premature ovarian failure.

Dr. Peter K. Rogan Lab, Western University
No classification provided (evidence only). Condition: Clear cell carcinoma of kidney. Review status: no classification provided. Collection method: in vitro. Allele origin: not applicable. Functional consequence: retained intron. Not counted in ClinVar's aggregate classification.

Dr. Peter K. Rogan Lab, Western University
No classification provided (evidence only). Condition: Clear cell carcinoma of kidney. Review status: no classification provided. Collection method: in vitro. Allele origin: not applicable. Functional consequence: retained intron. Not counted in ClinVar's aggregate classification.

Dr. Peter K. Rogan Lab, Western University
No classification provided (evidence only). Condition: Acute myeloid leukemia. Review status: no classification provided. Collection method: in vitro. Allele origin: not applicable. Functional consequence: retained intron. Not counted in ClinVar's aggregate classification.

Dr. Peter K. Rogan Lab, Western University
No classification provided (evidence only). Condition: Acute myeloid leukemia. Review status: no classification provided. Collection method: in vitro. Allele origin: not applicable. Functional consequence: retained intron. Not counted in ClinVar's aggregate classification.

Dr. Peter K. Rogan Lab, Western University
No classification provided (evidence only). Condition: Cervical cancer. Review status: no classification provided. Collection method: in vitro. Allele origin: not applicable. Functional consequence: retained intron. Not counted in ClinVar's aggregate classification.

NM_007068.4(DMC1):c.598A>G (p.Met200Val)

Gene: DMC1 (DNA meiotic recombinase 1; minus strand). Cytogenetic location: 22q13.1.
Variant type: single nucleotide variant.
Coding change: c.598A>G on transcript NM_007068.4 (MANE Select); coding-DNA position 598, A replaced by G.
Protein change: p.Met200Val; replaces methionine 200 with valine.
Molecular consequence: missense variant.
Genome position (GRCh38, 1-based): chr22:38,538,601, T>C on the plus strand (A>G on the coding strand, the complement: DMC1 is on the minus strand). VCF-style: chr22-38538601-T-C. GRCh37 (hg19) VCF-style: chr22-38934606-T-C.
Other names: NC_000022.10:g.38934606T>C; c.433A>G, p.Met145Val (NM_001278208.2, NM_001363017.2); short protein forms M145V, M200V.
Identifiers: ClinVar variation 979158 (VCV000979158.3), dbSNP rs2227914, ClinGen allele CA10233710.